The following is an entry in ClinVar:

ClinVar aggregate classification (germline): Pathogenic (1 of 4 stars; one submission).

Submission:

Labcorp Genetics (formerly Invitae), Labcorp
Classification: Pathogenic. Last evaluated: 2025-12-29. Review status: criteria provided, single submitter. Criteria: Invitae Variant Classification Sherloc (09022015). Collection method: clinical testing. Allele origin: germline.
Comment: This sequence change creates a premature translational stop signal (p.Tyr377*) in the ABCA12 gene. It is expected to result in an absent or disrupted protein product. Loss-of-function variants in ABCA12 are known to be pathogenic (PMID: 20672373). This variant is not present in population databases (gnomAD no frequency). This premature translational stop signal has been observed in individual(s) with harlequin ichthyosis (PMID: 34851365). For these reasons, this variant has been classified as Pathogenic.

Literature cited by the submitters: PubMed 20672373; PubMed 34851365.

NM_173076.3(ABCA12):c.1131C>G (p.Tyr377Ter)

Gene: ABCA12 (ATP binding cassette subfamily A member 12; minus strand). Cytogenetic location: 2q35.
Variant type: single nucleotide variant.
Coding change: c.1131C>G on transcript NM_173076.3 (MANE Select); coding-DNA position 1131, C replaced by G.
Protein change: p.Tyr377Ter; replaces tyrosine 377 with a stop codon.
Molecular consequence: nonsense. On other transcripts: non-coding transcript variant (1).
Genome position (GRCh38, 1-based): chr2:215,026,869, G>C on the plus strand (C>G on the coding strand, the complement: ABCA12 is on the minus strand). VCF-style: chr2-215026869-G-C. GRCh37 (hg19) VCF-style: chr2-215891593-G-C.
Other names: c.177C>G, p.Tyr59Ter (NM_015657.4); short protein forms Y377*, Y59*.
Identifiers: ClinVar variation 4747121 (VCV004747121.1).